The following is an entry in ClinVar:

NM_001931.5(DLAT):c.1535G>A (p.Ser512Asn)

Genes: DLAT (dihydrolipoamide S-acetyltransferase; plus strand), PIH1D2 (PIH1 domain containing 2; minus strand). Cytogenetic location: 11q23.1.
Variant type: single nucleotide variant.
Coding change: c.1535G>A on transcript NM_001931.5 (MANE Select); coding-DNA position 1535, G replaced by A.
Protein change: p.Ser512Asn; replaces serine 512 with asparagine.
Molecular consequence: missense variant. On other transcripts: non-coding transcript variant (1), splice acceptor variant (1).
Genome position (GRCh38, 1-based): chr11:112,059,923, G>A. VCF-style: chr11-112059923-G-A. GRCh37 (hg19) VCF-style: chr11-111930647-G-A.
Other names: c.1553G>A, p.Ser518Asn (NM_001372031.1); c.1529G>A, p.Ser510Asn (NM_001372032.1); c.1502G>A, p.Ser501Asn (NM_001372034.1); c.1427G>A, p.Ser476Asn (NM_001372035.1); c.1409G>A, p.Ser470Asn (NM_001372036.1); c.1367G>A, p.Ser456Asn (NM_001372037.1); c.1256G>A, p.Ser419Asn (NM_001372038.1); c.1220G>A, p.Ser407Asn (NM_001372039.1); and 4 more; short protein forms S371N, S385N, S510N, S518N, S476N, S501N, S419N, S470N.
Identifiers: ClinVar variation 1477468 (VCV001477468.5), dbSNP rs113521778, ClinGen allele CA6276960.

ClinVar aggregate classification (germline): Uncertain significance (1 of 4 stars; one submission).

Conditions:
Pyruvate dehydrogenase E2 deficiency (PDHDD). Also called: Dihydrolipoamide Acetyltransferase (E2) Deficiency; LACTIC ACIDEMIA DUE TO DEFECT OF E2 LIPOYL TRANSACETYLASE OF THE PYRUVATE DEHYDROGENASE COMPLEX. Identifiers: Orphanet 765, Orphanet 79244, MedGen C1855565, MONDO:0009502, OMIM 245348.

Allele frequency attached by ClinVar (database versions not stated): ExAC 0.00001; gnomAD exomes 0.00001.
gnomAD v4.1: 10 of 1,610,964 alleles (0.00062%); highest among the groups gnomAD compares: Middle Eastern, 0.017%; no homozygotes.

Submission:

Labcorp Genetics (formerly Invitae), Labcorp
Classification: Uncertain significance for Pyruvate dehydrogenase E2 deficiency. Last evaluated: 2024-10-26. Review status: criteria provided, single submitter. Criteria: Invitae Variant Classification Sherloc (09022015). Collection method: clinical testing. Allele origin: germline.
Comment: This sequence change replaces serine, which is neutral and polar, with asparagine, which is neutral and polar, at codon 512 of the DLAT protein (p.Ser512Asn). This variant is present in population databases (rs113521778, gnomAD 0.006%). This variant has not been reported in the literature in individuals affected with DLAT-related conditions. ClinVar contains an entry for this variant (Variation ID: 1477468). Invitae Evidence Modeling of protein sequence and biophysical properties (such as structural, functional, and spatial information, amino acid conservation, physicochemical variation, residue mobility, and thermodynamic stability) indicates that this missense variant is not expected to disrupt DLAT protein function with a negative predictive value of 80%. In summary, the available evidence is currently insufficient to determine the role of this variant in disease. Therefore, it has been classified as a Variant of Uncertain Significance.